The following is an entry in ClinVar:

ClinVar aggregate classification (germline): Uncertain significance (1 of 4 stars; one submission).

Submission:

Labcorp Genetics (formerly Invitae), Labcorp
Classification: Uncertain significance. Last evaluated: 2023-12-27. Review status: criteria provided, single submitter. Criteria: Invitae Variant Classification Sherloc (09022015). Collection method: clinical testing. Allele origin: germline.
Comment: This sequence change replaces methionine, which is neutral and non-polar, with threonine, which is neutral and polar, at codon 1186 of the FAT2 protein (p.Met1186Thr). This variant is not present in population databases (gnomAD no frequency). This variant has not been reported in the literature in individuals affected with FAT2-related conditions. Advanced modeling of protein sequence and biophysical properties (such as structural, functional, and spatial information, amino acid conservation, physicochemical variation, residue mobility, and thermodynamic stability) performed at Invitae indicates that this missense variant is not expected to disrupt FAT2 protein function with a negative predictive value of 80%. In summary, the available evidence is currently insufficient to determine the role of this variant in disease. Therefore, it has been classified as a Variant of Uncertain Significance.

NM_001447.3(FAT2):c.3557T>C (p.Met1186Thr)

Gene: FAT2 (FAT atypical cadherin 2; minus strand). Cytogenetic location: 5q33.1.
Variant type: single nucleotide variant.
Coding change: c.3557T>C on transcript NM_001447.3 (MANE Select); coding-DNA position 3557, T replaced by C.
Protein change: p.Met1186Thr; replaces methionine 1186 with threonine.
Molecular consequence: missense variant.
Genome position (GRCh38, 1-based): chr5:151,563,342, A>G on the plus strand (T>C on the coding strand, the complement: FAT2 is on the minus strand). VCF-style: chr5-151563342-A-G. GRCh37 (hg19) VCF-style: chr5-150942903-A-G.
Other names: short protein forms M1186T.
Identifiers: ClinVar variation 2790773 (VCV002790773.3), dbSNP rs759194510, ClinGen allele CA361848972.